The following is an entry in ClinVar:

ClinVar aggregate classification (germline): Uncertain significance (1 of 4 stars; one submission).

Submission:

Ambry Genetics
Classification: Uncertain significance. Last evaluated: 2026-07-13. Review status: criteria provided, single submitter. Criteria: Ambry Variant Classification Scheme 2023. Collection method: clinical testing. Allele origin: germline.
Comment: The p.L217F variant (also known as c.649C>T), located in coding exon 6 of the RRAS gene, results from a C to T substitution at nucleotide position 649. The leucine at codon 217 is replaced by phenylalanine, an amino acid with highly similar properties. This amino acid position is conserved. In addition, this alteration is predicted to be tolerated by in silico analysis. Based on the available evidence, the clinical significance of this variant remains unclear.

NM_006270.5(RRAS):c.649C>T (p.Leu217Phe)

Gene: RRAS (RAS related; minus strand). Cytogenetic location: 19q13.33.
Variant type: single nucleotide variant.
Coding change: c.649C>T on transcript NM_006270.5 (MANE Select); coding-DNA position 649, C replaced by T.
Protein change: p.Leu217Phe; replaces leucine 217 with phenylalanine.
Molecular consequence: missense variant.
Genome position (GRCh38, 1-based): chr19:49,635,584, G>A on the plus strand (C>T on the coding strand, the complement: RRAS is on the minus strand). VCF-style: chr19-49635584-G-A. GRCh37 (hg19) VCF-style: chr19-50138841-G-A.
Other names: short protein forms L217F.
Identifiers: ClinVar variation 5028437 (VCV005028437.1).